The following is an entry in ClinVar:

NM_003867.4(FGF17):c.439G>A (p.Glu147Lys)

Gene: FGF17 (fibroblast growth factor 17; plus strand). Cytogenetic location: 8p21.3.
Variant type: single nucleotide variant.
Coding change: c.439G>A on transcript NM_003867.4 (MANE Select); coding-DNA position 439, G replaced by A.
Protein change: p.Glu147Lys; replaces glutamic acid 147 with lysine.
Molecular consequence: missense variant.
Genome position (GRCh38, 1-based): chr8:22,048,037, G>A. VCF-style: chr8-22048037-G-A. GRCh37 (hg19) VCF-style: chr8-21905548-G-A.
Other names: c.406G>A, p.Glu136Lys (NM_001304478.1); short protein forms E136K, E147K.
Identifiers: ClinVar variation 4990710 (VCV004990710.1).
Genomic context (GRCh38, chr8:22,048,037, plus strand): 5'-TGCGTGTTCACGGAGATCGTGCTGGAGAACAACTATACGGCCTTCCAGAACGCCCGGCAC[G>A]AGGGCTGGTTCATGGCCTTCACGCGGCAGGGGCGGCCCCGCCAGGCTTCCCGCAGCCGCC-3'
Protein context (NP_003858.1, residues 137-157): NYTAFQNARH[Glu147Lys]GWFMAFTRQG

ClinVar aggregate classification (germline): Uncertain significance (1 of 4 stars; one submission).

Conditions:
FGF17-related disorder. Also called: FGF17-related condition.

gnomAD v4.1: 27 of 1,613,058 alleles (0.0017%); highest among the groups gnomAD compares: African/African-American, 0.0027%; no homozygotes.

Submission:

PreventionGenetics, part of Exact Sciences
Classification: Uncertain significance for FGF17-related condition. Last evaluated: 2025-12-18. Review status: criteria provided, single submitter. Criteria: ACMG Guidelines, 2015. Collection method: clinical testing. Allele origin: germline.
Comment: The FGF17 c.439G>A variant is predicted to result in the amino acid substitution p.Glu147Lys. To our knowledge, this variant has not been reported in the literature. This variant is reported in 0.0029% of alleles in individuals of Latino descent in gnomAD. At this time, the clinical significance of this variant is uncertain due to the absence of conclusive functional and genetic evidence.